The following is an entry in ClinVar:

ClinVar aggregate classification (germline): Likely benign. Review status: criteria provided, multiple submitters, no conflicts (2 of 4 stars). 3 submissions from 3 submitters: Likely benign (2). 1 of the submissions does not count toward it. Last evaluated 2025-10-09.

Conditions:
DNAJB11-related disorder. Also called: DNAJB11-related condition.

Allele frequency attached by ClinVar (database versions not stated): gnomAD 0.00002; TOPMed 0.00010; gnomAD exomes 0.00028; ExAC 0.00030.
gnomAD v4.1: 81 of 1,613,000 alleles (0.005%); highest among the groups gnomAD compares: Admixed American, 0.13%; no homozygotes.

Submissions (3):

Labcorp Genetics (formerly Invitae), Labcorp
Classification: Likely benign. Last evaluated: 2025-10-09. Review status: criteria provided, single submitter. Criteria: Invitae Variant Classification Sherloc (09022015). Collection method: clinical testing. Allele origin: germline.

Blueprint Genetics
Classification: Likely benign. Last evaluated: 2022-04-27. Review status: criteria provided, single submitter. Criteria: ACMG Guidelines, 2015. Collection method: clinical testing. Allele origin: germline.

PreventionGenetics, part of Exact Sciences
Classification: Likely benign for DNAJB11-related condition. Last evaluated: 2023-12-21. Review status: no assertion criteria provided. Collection method: clinical testing. Allele origin: germline. Not counted in ClinVar's aggregate classification.
Comment: This variant is classified as likely benign based on ACMG/AMP sequence variant interpretation guidelines (Richards et al. 2015 PMID: 25741868, with internal and published modifications).

NM_016306.6(DNAJB11):c.768T>A (p.Asp256Glu)

Gene: DNAJB11 (DnaJ heat shock protein family (Hsp40) member B11; plus strand). Cytogenetic location: 3q27.3.
Variant type: single nucleotide variant.
Coding change: c.768T>A on transcript NM_016306.6 (MANE Select); coding-DNA position 768, T replaced by A.
Protein change: p.Asp256Glu; replaces aspartic acid 256 with glutamic acid.
Molecular consequence: missense variant. On other transcripts: non-coding transcript variant (5).
Genome position (GRCh38, 1-based): chr3:186,583,892, T>A. VCF-style: chr3-186583892-T-A. GRCh37 (hg19) VCF-style: chr3-186301681-T-A.
Other names: c.768T>A (NM_016306.5); c.492T>A, p.Asp164Glu (NM_001378451.1); short protein forms D164E, D256E.
Identifiers: ClinVar variation 1588264 (VCV001588264.11), dbSNP rs748420874, ClinGen allele CA2744575.